The following is an entry in ClinVar:

ClinVar aggregate classification (germline): Uncertain significance (1 of 4 stars; one submission).

Conditions:
Holoprosencephaly 11 (HPE11). Identifiers: Orphanet 2162, MedGen C3280215, MONDO:0013642, OMIM 614226.

Submission:

Labcorp Genetics (formerly Invitae), Labcorp
Classification: Uncertain significance for Holoprosencephaly 11. Last evaluated: 2022-08-09. Review status: criteria provided, single submitter. Criteria: Invitae Variant Classification Sherloc (09022015). Collection method: clinical testing. Allele origin: germline.
Comment: In summary, the available evidence is currently insufficient to determine the role of this variant in disease. Therefore, it has been classified as a Variant of Uncertain Significance. Algorithms developed to predict the effect of missense changes on protein structure and function output the following: SIFT: "Tolerated"; PolyPhen-2: "Benign"; Align-GVGD: "Class C0". The valine amino acid residue is found in multiple mammalian species, which suggests that this missense change does not adversely affect protein function. This variant has not been reported in the literature in individuals affected with CDON-related conditions. This variant is not present in population databases (gnomAD no frequency). This sequence change replaces leucine, which is neutral and non-polar, with valine, which is neutral and non-polar, at codon 271 of the CDON protein (p.Leu271Val).

NM_001378964.1(CDON):c.811T>G (p.Leu271Val)

Gene: CDON (cell adhesion associated, oncogene regulated; minus strand). Cytogenetic location: 11q24.2.
Variant type: single nucleotide variant.
Coding change: c.811T>G on transcript NM_001378964.1 (MANE Select); coding-DNA position 811, T replaced by G.
Protein change: p.Leu271Val; replaces leucine 271 with valine.
Molecular consequence: missense variant.
Genome position (GRCh38, 1-based): chr11:126,017,205, A>C on the plus strand (T>G on the coding strand, the complement: CDON is on the minus strand). VCF-style: chr11-126017205-A-C. GRCh37 (hg19) VCF-style: chr11-125887100-A-C.
Other names: c.811T>G, p.Leu271Val (NM_001243597.3, NM_016952.6); short protein forms L271V.
Identifiers: ClinVar variation 1715831 (VCV001715831.5), dbSNP rs1591390571, ClinGen allele CA383210790.
Genomic context (GRCh38, chr11:126,017,205, plus strand): 5'-TGCAGGAATAGTTTCCGGAGTCCGCCGGGTCAACGCTATCAGTGGCAAGATGAGAATACA[A>C]CCTTCTCCAGTTGCTTCCTGGTGCAATGTCCTGCCCGTCCTTTAGCCAATACACTTGAGG-3'
Protein context (NP_001365893.1, residues 261-281): DIAPGSNWRR[Leu271Val]YSHLATDSVD